The following is an entry in ClinVar:

ClinVar aggregate classification (germline): Benign/Likely benign. Review status: criteria provided, multiple submitters, no conflicts (2 of 4 stars). 3 submissions from 3 submitters: Benign (1); Likely benign (2). Last evaluated 2026-09-23.

Conditions:
Neurofibromatosis, type 1 (NF1). Also called: NEUROFIBROMATOSIS, TYPE I, SOMATIC; Neurofibromatosis, type I; VON RECKLINGHAUSEN DISEASE; Peripheral type neurofibromatosis. Identifiers: Orphanet 636, MedGen C0027831, MONDO:0018975, OMIM 162200. Disease mechanism: loss of function.
Cardiovascular phenotype. Identifiers: MedGen CN230736.
Hereditary cancer-predisposing syndrome. Also called: Neoplastic Syndromes, Hereditary; Tumor predisposition; Hereditary Cancer Syndrome; Hereditary neoplastic syndrome. Identifiers: Orphanet 140162, MedGen C0027672, MeSH D009386, MONDO:0015356.

gnomAD v4.1: 1 of 1,614,132 alleles (0.000062%); highest among the groups gnomAD compares: Non-Finnish European, 0.000085%; no homozygotes.

Submissions (3):

Myriad Genetics, Inc.
Classification: Benign for Neurofibromatosis, type 1. Last evaluated: 2026-09-23. Review status: criteria provided, single submitter. Criteria: Myriad Autosomal Dominant, Autosomal Recessive and X-Linked Classification Criteria (2023). Collection method: clinical testing. Allele origin: unknown.
Comment: This variant is considered benign. This variant is a silent/synonymous amino acid change and it is not expected to impact splicing.

Labcorp Genetics (formerly Invitae), Labcorp
Classification: Likely benign for Neurofibromatosis, type 1. Last evaluated: 2023-08-09. Review status: criteria provided, single submitter. Criteria: Invitae Variant Classification Sherloc (09022015). Collection method: clinical testing. Allele origin: germline.

Ambry Genetics
Classification: Likely benign for Cardiovascular phenotype; Hereditary cancer-predisposing syndrome. Last evaluated: 2019-04-23. Review status: criteria provided, single submitter. Criteria: Ambry Variant Classification Scheme 2023. Collection method: clinical testing. Allele origin: germline.

NM_001042492.3(NF1):c.6133T>C (p.Leu2045=)

Gene: NF1 (neurofibromin 1; plus strand). Cytogenetic location: 17q11.2.
Variant type: single nucleotide variant.
Coding change: c.6133T>C on transcript NM_001042492.3 (MANE Select); coding-DNA position 6133, T replaced by C.
Protein change: p.Leu2045=; no amino-acid change (leucine 2045 retained).
Molecular consequence: synonymous variant.
Genome position (GRCh38, 1-based): chr17:31,336,459, T>C. VCF-style: chr17-31336459-T-C. GRCh37 (hg19) VCF-style: chr17-29663477-T-C.
Other names: c.6070T>C, p.Leu2024= (NM_000267.4).
Identifiers: ClinVar variation 1631881 (VCV001631881.11), dbSNP rs2151553576, ClinGen allele CA499446505.